The following is an entry in ClinVar:

NM_001195553.2(DCX):c.56G>A (p.Arg19Gln)

Gene: DCX (doublecortin; minus strand). Cytogenetic location: Xq23.
Variant type: single nucleotide variant.
Coding change: c.56G>A on transcript NM_001195553.2 (MANE Select); coding-DNA position 56, G replaced by A.
Protein change: p.Arg19Gln; replaces arginine 19 with glutamine.
Molecular consequence: missense variant.
Genome position (GRCh38, 1-based): chrX:111,410,343, C>T on the plus strand (G>A on the coding strand, the complement: DCX is on the minus strand). VCF-style: chrX-111410343-C-T. GRCh37 (hg19) VCF-style: chrX-110653571-C-T.
Other names: c.299G>A, p.Arg100Gln (NM_000555.3); c.56G>A, p.Arg19Gln (NM_001369370.1, NM_001369371.1, NM_001369372.1 and 6 more transcripts); short protein forms R100Q, R19Q.
Identifiers: ClinVar variation 3343847 (VCV003343847.2).

ClinVar aggregate classification (germline): Uncertain significance (1 of 4 stars; one submission).

gnomAD v4.1: 1 of 1,209,012 alleles (0.000083%); highest among the groups gnomAD compares: African/African-American, 0.0018%; no homozygotes.

Submission:

GeneDx
Classification: Uncertain significance. Last evaluated: 2026-06-25. Review status: criteria provided, single submitter. Criteria: GeneDx Variant Classification Process June 2021. Collection method: clinical testing. Allele origin: germline.
Comment: Not observed at significant frequency in large population cohorts (gnomAD); In silico analysis suggests that this missense variant does not alter protein structure/function; This variant is associated with the following publications: (PMID: 31130284)